The following is an entry in ClinVar:

NM_025144.4(ALPK1):c.1020A>T (p.Arg340Ser)

Gene: ALPK1 (alpha kinase 1; plus strand). Cytogenetic location: 4q25.
Variant type: single nucleotide variant.
Coding change: c.1020A>T on transcript NM_025144.4 (MANE Select); coding-DNA position 1020, A replaced by T.
Protein change: p.Arg340Ser; replaces arginine 340 with serine.
Molecular consequence: missense variant.
Genome position (GRCh38, 1-based): chr4:112,430,567, A>T. VCF-style: chr4-112430567-A-T. GRCh37 (hg19) VCF-style: chr4-113351723-A-T.
Other names: c.1020A>T, p.Arg340Ser (NM_001102406.2); c.786A>T, p.Arg262Ser (NM_001253884.2); short protein forms R262S, R340S.
Identifiers: ClinVar variation 1950717 (VCV001950717.5), dbSNP rs771986487, ClinGen allele CA3046646.

ClinVar aggregate classification (germline): Uncertain significance (1 of 4 stars; one submission).

Allele frequency attached by ClinVar (database versions not stated): gnomAD exomes below 0.00001; TOPMed below 0.00001; ExAC 0.00001; gnomAD 0.00001.
gnomAD v4.1: 3 of 1,614,052 alleles (0.00019%); highest among the groups gnomAD compares: Non-Finnish European, 0.00017%; no homozygotes.

Submission:

Labcorp Genetics (formerly Invitae), Labcorp
Classification: Uncertain significance. Last evaluated: 2022-09-24. Review status: criteria provided, single submitter. Criteria: Invitae Variant Classification Sherloc (09022015). Collection method: clinical testing. Allele origin: germline.
Comment: This sequence change replaces arginine, which is basic and polar, with serine, which is neutral and polar, at codon 340 of the ALPK1 protein (p.Arg340Ser). This variant is present in population databases (rs771986487, gnomAD 0.002%). This variant has not been reported in the literature in individuals affected with ALPK1-related conditions. Advanced modeling of protein sequence and biophysical properties (such as structural, functional, and spatial information, amino acid conservation, physicochemical variation, residue mobility, and thermodynamic stability) performed at Invitae indicates that this missense variant is not expected to disrupt ALPK1 protein function. In summary, the available evidence is currently insufficient to determine the role of this variant in disease. Therefore, it has been classified as a Variant of Uncertain Significance.